The following is an entry in ClinVar:

ClinVar aggregate classification (germline): Uncertain significance. Review status: criteria provided, multiple submitters, no conflicts (2 of 4 stars). 6 submissions from 4 submitters: Uncertain significance (6). Last evaluated 2022-08-04.

Conditions:
Hereditary spastic paraplegia 11. Also called: Nakamura Osame syndrome; Autosomal recessive hereditary spastic paraplegia, mental impairment, and thin corpus callosum; Spastic paraplegia, mental retardation and thin corpus callosum; SPASTIC PARAPLEGIA, AUTOSOMAL RECESSIVE, COMPLICATED, WITH THIN CORPUS CALLOSUM; SPASTIC PARAPLEGIA, AUTOSOMAL RECESSIVE, WITH MENTAL IMPAIRMENT AND THIN CORPUS CALLOSUM; Spastic Paraplegia 11. Identifiers: Orphanet 2822, MedGen C1858479, MONDO:0011445, OMIM 604360.
Amyotrophic lateral sclerosis type 5 (ALS5). Also called: AMYOTROPHIC LATERAL SCLEROSIS 5, JUVENILE. Identifiers: Orphanet 300605, MedGen C1865864, MONDO:0011196, OMIM 602099.
Charcot-Marie-Tooth disease axonal type 2X. Also called: CHARCOT-MARIE-TOOTH DISEASE, AXONAL, AUTOSOMAL RECESSIVE, TYPE 2X; CHARCOT-MARIE-TOOTH NEUROPATHY, TYPE 2X. Identifiers: Orphanet 466775, MedGen C5569024, MONDO:0014726, OMIM 616668.

Allele frequency attached by ClinVar (database versions not stated): ExAC 0.00003; gnomAD exomes 0.00004 and 0.00014; TOPMed 0.00006; gnomAD 0.00007 and 0.00008; ESP Exome Variant Server 0.00008.
gnomAD v4.1: 217 of 1,614,028 alleles (0.013%); highest among the groups gnomAD compares: Non-Finnish European, 0.017%; no homozygotes.

Submissions (6):

Labcorp Genetics (formerly Invitae), Labcorp
Classification: Uncertain significance for Hereditary spastic paraplegia 11. Last evaluated: 2022-08-04. Review status: criteria provided, single submitter. Criteria: Invitae Variant Classification Sherloc (09022015). Collection method: clinical testing. Allele origin: germline.
Comment: This sequence change replaces asparagine, which is neutral and polar, with serine, which is neutral and polar, at codon 1989 of the SPG11 protein (p.Asn1989Ser). This variant is present in population databases (rs375896392, gnomAD 0.009%). This variant has not been reported in the literature in individuals affected with SPG11-related conditions. ClinVar contains an entry for this variant (Variation ID: 534876). Algorithms developed to predict the effect of missense changes on protein structure and function output the following: SIFT: "Tolerated"; PolyPhen-2: "Possibly Damaging"; Align-GVGD: "Class C0". The serine amino acid residue is found in multiple mammalian species, which suggests that this missense change does not adversely affect protein function. In summary, the available evidence is currently insufficient to determine the role of this variant in disease. Therefore, it has been classified as a Variant of Uncertain Significance.

GeneDx
Classification: Uncertain significance. Last evaluated: 2022-07-06. Review status: criteria provided, single submitter. Criteria: GeneDx Variant Classification Process June 2021. Collection method: clinical testing. Allele origin: germline. Affected: yes.
Comment: Not observed at a significant frequency in large population cohorts (gnomAD); In silico analysis supports that this missense variant does not alter protein structure/function; Has not been previously published as pathogenic or benign to our knowledge

Baylor Genetics
Classification: Uncertain significance for Amyotrophic lateral sclerosis type 5. Last evaluated: 2019-03-26. Review status: criteria provided, single submitter. Criteria: ACMG Guidelines, 2015. Collection method: clinical testing. Allele origin: maternal. Affected: yes.
Comment: This variant was determined to be of uncertain significance according to ACMG Guidelines, 2015 [PMID:25741868]. This variant has been previously reported as disease causing [PMID 18408091, 29691679, 25525159]

Genome-Nilou Lab
Classification: Uncertain significance for Amyotrophic lateral sclerosis type 5. Review status: criteria provided, single submitter. Criteria: ACMG Guidelines, 2015. Collection method: clinical testing. Allele origin: germline.

Genome-Nilou Lab
Classification: Uncertain significance for Charcot-Marie-Tooth disease axonal type 2X. Review status: criteria provided, single submitter. Criteria: ACMG Guidelines, 2015. Collection method: clinical testing. Allele origin: germline.

Genome-Nilou Lab
Classification: Uncertain significance for Hereditary spastic paraplegia 11. Review status: criteria provided, single submitter. Criteria: ACMG Guidelines, 2015. Collection method: clinical testing. Allele origin: germline.

Literature cited by the submitters: PubMed 18408091 (cited by Baylor Genetics); PubMed 29691679 (cited by Baylor Genetics); PubMed 25525159 (cited by Baylor Genetics).

NM_025137.4(SPG11):c.5966A>G (p.Asn1989Ser)

Gene: SPG11 (SPG11 vesicle trafficking associated, spatacsin; minus strand). Cytogenetic location: 15q21.1.
Variant type: single nucleotide variant.
Coding change: c.5966A>G on transcript NM_025137.4 (MANE Select); coding-DNA position 5966, A replaced by G.
Protein change: p.Asn1989Ser; replaces asparagine 1989 with serine.
Molecular consequence: missense variant. On other transcripts: intron variant (1).
Genome position (GRCh38, 1-based): chr15:44,574,942, T>C on the plus strand (A>G on the coding strand, the complement: SPG11 is on the minus strand). VCF-style: chr15-44574942-T-C. GRCh37 (hg19) VCF-style: chr15-44867140-T-C.
Other names: c.5867-2122A>G (NM_001160227.2); short protein forms N1989S.
Identifiers: ClinVar variation 534876 (VCV000534876.8), dbSNP rs375896392, ClinGen allele CA7534301.